The following is an entry in ClinVar:

NM_001197104.2(KMT2A):c.8136dup (p.Asp2713Ter)

Gene: KMT2A (lysine methyltransferase 2A; plus strand). Cytogenetic location: 11q23.3.
Variant type: Duplication.
Coding change: c.8136dup on transcript NM_001197104.2 (MANE Select); coding-DNA position 8136, one base duplicated (T; older notation c.8136dupT).
Protein change: p.Asp2713Ter; replaces aspartic acid 2713 with a stop codon.
Molecular consequence: nonsense.
Genome position (GRCh38, 1-based): chr11:118,504,028, T duplicated. VCF-style (leftmost placement, unchanged base first): chr11-118504027-G-GT. GRCh37 (hg19) VCF-style: chr11-118374742-G-GT.
Other names: c.8226dup, p.Asp2743Ter (NM_001412597.1); c.8127dup, p.Asp2710Ter (NM_005933.4); short protein forms D2710*, D2713*, D2743*.
Identifiers: ClinVar variation 2703752 (VCV002703752.4), dbSNP rs2497006686, ClinGen allele CA2697559036.

ClinVar aggregate classification (germline): Pathogenic. Review status: criteria provided, multiple submitters, no conflicts (2 of 4 stars). 2 submissions from 2 submitters: Pathogenic (2). Last evaluated 2024-09-22.

Conditions:
Wiedemann-Steiner syndrome (WDSTS). Also called: Growth deficiency and mental retardation with facial dysmorphism. Identifiers: Orphanet 319182, MedGen C1854630, MONDO:0011518, OMIM 605130.

Submissions (2):

Genomic Medicine Center of Excellence, King Faisal Specialist Hospital and Research Centre
Classification: Pathogenic for Wiedemann-Steiner syndrome. Last evaluated: 2024-09-22. Review status: criteria provided, single submitter. Criteria: ACMG Guidelines, 2015. Collection method: clinical testing. Allele origin: germline.

Labcorp Genetics (formerly Invitae), Labcorp
Classification: Pathogenic. Last evaluated: 2023-12-27. Review status: criteria provided, single submitter. Criteria: Invitae Variant Classification Sherloc (09022015). Collection method: clinical testing. Allele origin: germline.
Comment: This sequence change creates a premature translational stop signal (p.Asp2713*) in the KMT2A gene. It is expected to result in an absent or disrupted protein product. Loss-of-function variants in KMT2A are known to be pathogenic (PMID: 22795537, 25810209, 29574747). This variant is not present in population databases (gnomAD no frequency). This variant has not been reported in the literature in individuals affected with KMT2A-related conditions. For these reasons, this variant has been classified as Pathogenic.

Literature cited by the submitters: PubMed 22795537 (cited by Labcorp Genetics (formerly Invitae), Labcorp); PubMed 25810209 (cited by Labcorp Genetics (formerly Invitae), Labcorp); PubMed 29574747 (cited by Labcorp Genetics (formerly Invitae), Labcorp).